The following is an entry in ClinVar:

NM_004463.3(FGD1):c.2659A>C (p.Arg887=)

Genes: FGD1 (FYVE, RhoGEF and PH domain containing 1; minus strand), TSR2 (TSR2 ribosome maturation factor; plus strand). Cytogenetic location: Xp11.22.
Variant type: single nucleotide variant.
Coding change: c.2659A>C on transcript NM_004463.3 (MANE Select); coding-DNA position 2659, A replaced by C.
Protein change: p.Arg887=; no amino-acid change (arginine 887 retained).
Molecular consequence: synonymous variant. On other transcripts: 3 prime UTR variant (5).
Genome position (GRCh38, 1-based): chrX:54,446,336, T>G on the plus strand (A>C on the coding strand, the complement: FGD1 is on the minus strand). VCF-style: chrX-54446336-T-G. GRCh37 (hg19) VCF-style: chrX-54472769-T-G.
Other names: c.*1786T>G (NM_001346789.2, NM_001346790.2, NM_001346791.2 and 2 more transcripts).
Identifiers: ClinVar variation 3389753 (VCV003389753.14).
Genomic context (GRCh38, chrX:54,446,336, plus strand): 5'-CCTCTGTCTCAGGGCTGAAGTACCAGCTGAGGTGGCTCTGGGTGATCTTGAAGACATGCC[T>G]TCTGTCAGGCCGCTCCCCTGCCTCGGGCGGTCCCACCTCGAAGCCAATGAGGGGCAGGCT-3'
Protein context (NP_004454.2, residues 877-897): PPEAGERPDR[Arg887=]HVFKITQSHL

ClinVar aggregate classification (germline): Likely benign (1 of 4 stars; one submission).

Submission:

CeGaT Center for Human Genetics Tuebingen
Classification: Likely benign. Last evaluated: 2024-09-01. Review status: criteria provided, single submitter. Criteria: CeGaT Center For Human Genetics Tuebingen Variant Classification Criteria Version 2. Collection method: clinical testing. Allele origin: germline. Affected: yes. Observed: 1 variant allele.
Comment: FGD1: PM2:Supporting, BP4, BP7